The following is an entry in ClinVar:

ClinVar aggregate classification (germline): Uncertain significance. Review status: criteria provided, multiple submitters, no conflicts (2 of 4 stars). 6 submissions from 5 submitters: Uncertain significance (5). 1 of the submissions does not count toward it. Last evaluated 2026-07-08.

Conditions:
USH2A-related disorder. Also called: USH2A-related condition; USH2A-related disorders. Identifiers: MedGen CN239332.
Retinitis pigmentosa 39 (RP39). Identifiers: Orphanet 791, MedGen C3151138, MONDO:0013436, OMIM 613809.
Usher syndrome type 2A. Also called: USHER SYNDROME, TYPE IIA; RETINAL DISEASE IN USHER SYNDROME TYPE IIA, MODIFIER OF. Identifiers: Orphanet 231178, Orphanet 886, MedGen C1848634, MONDO:0010169, OMIM 276901.

Allele frequency attached by ClinVar (database versions not stated): gnomAD 0.00001; TOPMed 0.00004; ExAC 0.00005; gnomAD exomes 0.00005.
gnomAD v4.1: 18 of 1,613,616 alleles (0.0011%); highest among the groups gnomAD compares: Admixed American, 0.03%; no homozygotes.

Submissions (6):

PreventionGenetics, part of Exact Sciences
Classification: Uncertain significance for USH2A-related condition. Last evaluated: 2026-07-08. Review status: criteria provided, single submitter. Criteria: ACMG Guidelines, 2015. Collection method: clinical testing. Allele origin: germline.
Comment: The USH2A c.6431A>C variant is predicted to result in the amino acid substitution p.Glu2144Ala. To our knowledge, this variant has not been reported in the literature. This variant is reported in 0.038% of alleles in individuals of Latino descent in gnomAD. At this time, the clinical significance of this variant is uncertain due to the absence of conclusive functional and genetic evidence.

Genome-Nilou Lab
Classification: Uncertain significance for Retinitis pigmentosa 39. Last evaluated: 2023-11-04. Review status: criteria provided, single submitter. Criteria: ACMG Guidelines, 2015. Collection method: clinical testing. Allele origin: germline. Affected: no.

Genome-Nilou Lab
Classification: Uncertain significance for Usher syndrome type 2A. Last evaluated: 2023-11-04. Review status: criteria provided, single submitter. Criteria: ACMG Guidelines, 2015. Collection method: clinical testing. Allele origin: germline. Affected: no.

Labcorp Genetics (formerly Invitae), Labcorp
Classification: Uncertain significance. Last evaluated: 2022-08-06. Review status: criteria provided, single submitter. Criteria: Invitae Variant Classification Sherloc (09022015). Collection method: clinical testing. Allele origin: germline.
Comment: This sequence change replaces glutamic acid, which is acidic and polar, with alanine, which is neutral and non-polar, at codon 2144 of the USH2A protein (p.Glu2144Ala). This variant is present in population databases (rs754703964, gnomAD 0.04%). This variant has not been reported in the literature in individuals affected with USH2A-related conditions. ClinVar contains an entry for this variant (Variation ID: 618477). Algorithms developed to predict the effect of missense changes on protein structure and function (SIFT, PolyPhen-2, Align-GVGD) all suggest that this variant is likely to be tolerated. In summary, the available evidence is currently insufficient to determine the role of this variant in disease. Therefore, it has been classified as a Variant of Uncertain Significance.

ARUP Laboratories, Molecular Genetics and Genomics, ARUP Laboratories
Classification: Uncertain significance. Last evaluated: 2017-10-20. Review status: criteria provided, single submitter. Criteria: ARUP Molecular Germline Variant Investigation Process. Collection method: clinical testing. Allele origin: germline.
Comment: The p.Glu2144Ala variant (rs754703964) has not been reported in the medical literature or previously identified in our laboratory, but it is listed in the Genome Aggregation Database (gnomAD) browser with an allele frequency of 0.039% in the Latino population (identified in 13 out of 33,484 chromosomes). The glutamic acid at codon 2144 is moderately conserved considering 12 species (Alamut software v2.10.0), and computational analyses predict that this variant does not affect the structure/function of the USH2A protein (SIFT: tolerated, PolyPhen2: benign, MutationTaster: polymorphism). However, based on the available information, the clinical significance of the p.Glu2144Ala variant cannot be determined with certainty.

Natera, Inc.
Classification: Uncertain significance for Usher syndrome type 2A. Last evaluated: 2019-11-11. Review status: no assertion criteria provided. Collection method: clinical testing. Allele origin: germline. Not counted in ClinVar's aggregate classification.

NM_206933.4(USH2A):c.6431A>C (p.Glu2144Ala)

Gene: USH2A (usherin; minus strand). Cytogenetic location: 1q41.
Variant type: single nucleotide variant.
Coding change: c.6431A>C on transcript NM_206933.4 (MANE Select); coding-DNA position 6431, A replaced by C.
Protein change: p.Glu2144Ala; replaces glutamic acid 2144 with alanine.
Molecular consequence: missense variant.
Genome position (GRCh38, 1-based): chr1:216,000,457, T>G on the plus strand (A>C on the coding strand, the complement: USH2A is on the minus strand). VCF-style: chr1-216000457-T-G. GRCh37 (hg19) VCF-style: chr1-216173799-T-G.
Other names: short protein forms E2144A.
Identifiers: ClinVar variation 618477 (VCV000618477.14), dbSNP rs754703964, ClinGen allele CA1395145.
Genomic context (GRCh38, chr1:216,000,457, plus strand): 5'-ACTTACTGTATGTGTATAGTTCTAGAATCCAGGACAGTCAGAACTGGGGAATCCACGTGT[T>G]CTGGTGGCAGCTGTGCTGTGTACAGTAGGACCCAGGAACTGTTTGTACAGCCCACATGTG-3'
Protein context (NP_996816.3, residues 2134-2154): VLLYTAQLPP[Glu2144Ala]HVDSPVLTVL